The following is an entry in ClinVar:

NM_005068.3(SIM1):c.-127T>C

Gene: SIM1 (SIM bHLH transcription factor 1; minus strand). Cytogenetic location: 6q16.3.
Variant type: single nucleotide variant.
Coding change: c.-127T>C on transcript NM_005068.3 (MANE Select); 127 bases upstream of the start codon, T replaced by C.
Molecular consequence: 5 prime UTR variant.
Genome position (GRCh38, 1-based): chr6:100,463,595, A>G on the plus strand (T>C on the coding strand, the complement: SIM1 is on the minus strand). VCF-style: chr6-100463595-A-G. GRCh37 (hg19) VCF-style: chr6-100911471-A-G.
Other names: c.-127T>C (NM_001374769.1).
Identifiers: ClinVar variation 354688 (VCV000354688.5), dbSNP rs41315244, ClinGen allele CA10622507.

ClinVar aggregate classification (germline): Benign (1 of 4 stars; one submission).

Conditions:
Obesity due to SIM1 deficiency. Identifiers: Orphanet 369873, MedGen C5191050, MONDO:0018244.

Allele frequency attached by ClinVar (database versions not stated): 1000 Genomes Project 0.01917; 1000 Genomes Project 30x 0.01952; TOPMed 0.03433; gnomAD 0.03596 and 0.03677; gnomAD exomes 0.04578.
gnomAD v4.1: 38,118 of 866,910 alleles (4.4%); highest among the groups gnomAD compares: Non-Finnish European, 5.5%; 1,012 homozygotes.

Submission:

Illumina Laboratory Services, Illumina
Classification: Benign for Obesity due to SIM1 deficiency. Last evaluated: 2018-01-12. Review status: criteria provided, single submitter. Criteria: ICSL Variant Classification Criteria 13 December 2019. Collection method: clinical testing. Allele origin: germline.
Comment: This variant was observed in the ICSL laboratory as part of a predisposition screen in an ostensibly healthy population. It had not been previously curated by ICSL or reported in the Human Gene Mutation Database (HGMD: prior to June 1st, 2018), and was therefore a candidate for classification through an automated scoring system. Utilizing variant allele frequency, disease prevalence and penetrance estimates, and inheritance mode, an automated score was calculated to assess if this variant is too frequent to cause the disease. Based on the score and internal cut-off values, a variant classified as benign is not then subjected to further curation. The score for this variant resulted in a classification of benign for this disease.